The following is an entry in ClinVar:

ClinVar aggregate classification (germline): Uncertain significance (1 of 4 stars; one submission).

Submission:

Women's Health and Genetics/Laboratory Corporation of America, LabCorp
Classification: Uncertain significance. Last evaluated: 2024-07-22. Review status: criteria provided, single submitter. Criteria: LabCorp Variant Classification Summary - May 2015. Collection method: clinical testing. Allele origin: germline.
Comment: Variant summary: BRAF c.1194G>T (p.Leu398Phe) results in a non-conservative amino acid change in the encoded protein sequence. Four of five in-silico tools predict a damaging effect of the variant on protein function. The variant was absent in 251186 control chromosomes. The available data on variant occurrences in the general population are insufficient to allow any conclusion about variant significance. To our knowledge, no occurrence of c.1194G>T in individuals affected with Cardiofaciocutaneous Syndrome and no experimental evidence demonstrating its impact on protein function have been reported. No submitters have cited clinical-significance assessments for this variant to ClinVar. Based on the evidence outlined above, the variant was classified as uncertain significance.

Literature cited by the submitters: PubMed 24920063; PubMed 26732095; PubMed 28947956.

NM_004333.6(BRAF):c.1194G>T (p.Leu398Phe)

Gene: BRAF (B-Raf proto-oncogene, serine/threonine kinase; minus strand). Cytogenetic location: 7q34.
Variant type: single nucleotide variant.
Coding change: c.1194G>T on transcript NM_004333.6 (MANE Select); coding-DNA position 1194, G replaced by T.
Protein change: p.Leu398Phe; replaces leucine 398 with phenylalanine.
Molecular consequence: missense variant. On other transcripts: intron variant (2).
Genome position (GRCh38, 1-based): chr7:140,783,141, C>A on the plus strand (G>T on the coding strand, the complement: BRAF is on the minus strand). VCF-style: chr7-140783141-C-A. GRCh37 (hg19) VCF-style: chr7-140482941-C-A.
Other names: c.1194G>T, p.Leu398Phe (NM_001354609.2, NM_001378468.1, NM_001378474.1); c.1314G>T, p.Leu438Phe (NM_001374244.1, NM_001374258.1); c.1203G>T, p.Leu401Phe (NM_001378467.1); c.1092G>T, p.Leu364Phe (NM_001378470.1); c.1038G>T, p.Leu346Phe (NM_001378472.1, NM_001378473.1); c.930G>T, p.Leu310Phe (NM_001378475.1); c.1141-58G>T (NM_001378471.1); c.1178-50G>T (NM_001378469.1); short protein forms L310F, L346F, L364F, L398F, L401F, L438F.
Identifiers: ClinVar variation 3339430 (VCV003339430.1).